The following is an entry in ClinVar:

NM_002887.4(RARS1):c.55A>G (p.Ile19Val)

Gene: RARS1 (arginyl-tRNA synthetase 1; plus strand). Cytogenetic location: 5q34.
Variant type: single nucleotide variant.
Coding change: c.55A>G on transcript NM_002887.4 (MANE Select); coding-DNA position 55, A replaced by G.
Protein change: p.Ile19Val; replaces isoleucine 19 with valine.
Molecular consequence: missense variant.
Genome position (GRCh38, 1-based): chr5:168,488,611, A>G. VCF-style: chr5-168488611-A-G. GRCh37 (hg19) VCF-style: chr5-167915616-A-G.
Other names: short protein forms I19V.
Identifiers: ClinVar variation 1919583 (VCV001919583.5), dbSNP rs1291032077, ClinGen allele CA362077666.
Genomic context (GRCh38, chr5:168,488,611, plus strand): 5'-GAAATGTGGAAGTAAGTTTATGGACTGAAAAAAGTGCTTTTTTTCCCACAGGAAGAAGAG[A>G]TTAAATCTCTGACTGCTGAAATTGACCGGTTGAAAAACTGTGGCTGTTTAGGAGCTTCTC-3'
Protein context (NP_002878.2, residues 9-29): SARLLQQEEE[Ile19Val]KSLTAEIDRL

ClinVar aggregate classification (germline): Uncertain significance (1 of 4 stars; one submission).

Allele frequency attached by ClinVar (database versions not stated): TOPMed below 0.00001; gnomAD 0.00001; gnomAD exomes 0.00001.
gnomAD v4.1: 9 of 1,604,974 alleles (0.00056%); highest among the groups gnomAD compares: Non-Finnish European, 0.00068%; no homozygotes.

Submission:

Labcorp Genetics (formerly Invitae), Labcorp
Classification: Uncertain significance. Last evaluated: 2024-08-13. Review status: criteria provided, single submitter. Criteria: Invitae Variant Classification Sherloc (09022015). Collection method: clinical testing. Allele origin: germline.
Comment: This sequence change replaces isoleucine, which is neutral and non-polar, with valine, which is neutral and non-polar, at codon 19 of the RARS protein (p.Ile19Val). This variant is present in population databases (no rsID available, gnomAD 0.007%). This variant has not been reported in the literature in individuals affected with RARS-related conditions. ClinVar contains an entry for this variant (Variation ID: 1919583). An algorithm developed to predict the effect of missense changes on protein structure and function (PolyPhen-2) suggests that this variant is likely to be tolerated. In summary, the available evidence is currently insufficient to determine the role of this variant in disease. Therefore, it has been classified as a Variant of Uncertain Significance.